The following is an entry in ClinVar:

ClinVar aggregate classification (germline): Conflicting classifications of pathogenicity. Review status: criteria provided, conflicting classifications (1 of 4 stars). 2 submissions from 2 submitters: Uncertain significance (1); Likely benign (1). Last evaluated 2025-01-27.

Allele frequency attached by ClinVar (database versions not stated): gnomAD 0.00003; ExAC 0.00004; gnomAD exomes 0.00004 and 0.00006; TOPMed 0.00004; ESP Exome Variant Server 0.00008.
gnomAD v4.1: 67 of 1,614,042 alleles (0.0042%); highest among the groups gnomAD compares: Non-Finnish European, 0.005%; no homozygotes.

Submissions (2):

Ambry Genetics
Classification: Likely benign. Last evaluated: 2025-01-27. Review status: criteria provided, single submitter. Criteria: Ambry Variant Classification Scheme 2023. Collection method: clinical testing. Allele origin: germline.

Labcorp Genetics (formerly Invitae), Labcorp
Classification: Uncertain significance. Last evaluated: 2023-08-17. Review status: criteria provided, single submitter. Criteria: Invitae Variant Classification Sherloc (09022015). Collection method: clinical testing. Allele origin: germline.
Comment: ClinVar contains an entry for this variant (Variation ID: 1469636). In summary, the available evidence is currently insufficient to determine the role of this variant in disease. Therefore, it has been classified as a Variant of Uncertain Significance. Algorithms developed to predict the effect of sequence changes on RNA splicing suggest that this variant is not likely to affect RNA splicing. This variant has been observed in individual(s) with clinical features of inherited retinal dystrophy (Invitae). This variant is present in population databases (rs369293880, gnomAD 0.01%). This sequence change affects codon 3759 of the HMCN1 mRNA. It is a 'silent' change, meaning that it does not change the encoded amino acid sequence of the HMCN1 protein. It affects a nucleotide within the consensus splice site.

NM_031935.3(HMCN1):c.11277A>G (p.Arg3759=)

Gene: HMCN1 (hemicentin 1; plus strand). Cytogenetic location: 1q31.1.
Variant type: single nucleotide variant.
Coding change: c.11277A>G on transcript NM_031935.3 (MANE Select); coding-DNA position 11277, A replaced by G.
Protein change: p.Arg3759=; no amino-acid change (arginine 3759 retained).
Molecular consequence: synonymous variant.
Genome position (GRCh38, 1-based): chr1:186,114,819, A>G. VCF-style: chr1-186114819-A-G. GRCh37 (hg19) VCF-style: chr1-186083951-A-G.
Other names: c.11277A>G (NM_031935.2).
Identifiers: ClinVar variation 1469636 (VCV001469636.7), dbSNP rs369293880, ClinGen allele CA1294002.